The following is an entry in ClinVar:

NM_020320.5(RARS2):c.452-22TA[2]

Gene: RARS2 (arginyl-tRNA synthetase 2, mitochondrial; minus strand). Cytogenetic location: 6q15.
Variant type: Microsatellite.
Coding change: c.452-22TA[2] on transcript NM_020320.5 (MANE Select); two copies in a row of the 2-base unit TA starting at c.452-22; the reference has three copies in a row; one copy, 2 bases deleted.
Molecular consequence: intron variant.
Genome position (GRCh38, 1-based): chr6:87,545,716-87,545,717, TA deleted on the plus strand (TA on the coding strand, the reverse complement: RARS2 is on the minus strand); deleting any 2 consecutive bases within chr6:87,545,716-87,545,721 gives the same sequence; the position shown is the placement nearest the transcript's 3' end. VCF-style (leftmost placement, unchanged base first): chr6-87545715-GTA-G. GRCh37 (hg19) VCF-style: chr6-88255433-GTA-G.
Other names: c.452-22TA[2] (NM_001350505.2); c.-74-22TA[2] (NM_001350509.2, NM_001318785.2, NM_001350506.2 and 4 more transcripts); c.452-18_452-17delTA (NM_020320.3).
Identifiers: ClinVar variation 418615 (VCV000418615.5), dbSNP rs772255685, ClinGen allele CA3916624.

ClinVar aggregate classification (germline): Benign/Likely benign. Review status: criteria provided, multiple submitters, no conflicts (2 of 4 stars). 2 submissions from 2 submitters: Benign (1); Likely benign (1). Last evaluated 2026-01-28.

Submissions (2):

Labcorp Genetics (formerly Invitae), Labcorp
Classification: Benign. Last evaluated: 2026-01-28. Review status: criteria provided, single submitter. Criteria: Invitae Variant Classification Sherloc (09022015). Collection method: clinical testing. Allele origin: germline.

GeneDx
Classification: Likely benign. Last evaluated: 2017-12-14. Review status: criteria provided, single submitter. Criteria: GeneDx Variant Classification (06012015). Collection method: clinical testing. Allele origin: germline. Affected: yes.
Comment: This variant is considered likely benign or benign based on one or more of the following criteria: it is a conservative change, it occurs at a poorly conserved position in the protein, it is predicted to be benign by multiple in silico algorithms, and/or has population frequency not consistent with disease.